The following is an entry in ClinVar:

NM_001370259.2(MEN1):c.190C>T (p.Gln64Ter)

Gene: MEN1 (menin 1; minus strand). Cytogenetic location: 11q13.1.
Variant type: single nucleotide variant.
Coding change: c.190C>T on transcript NM_001370259.2 (MANE Select); coding-DNA position 190, C replaced by T.
Protein change: p.Gln64Ter; replaces glutamine 64 with a stop codon.
Molecular consequence: nonsense. On other transcripts: non-coding transcript variant (4).
Genome position (GRCh38, 1-based): chr11:64,809,920, G>A on the plus strand (C>T on the coding strand, the complement: MEN1 is on the minus strand). VCF-style: chr11-64809920-G-A. GRCh37 (hg19) VCF-style: chr11-64577392-G-A.
Other names: c.190C>T, p.Gln64Ter (NM_000244.4, NM_001370251.2, NM_001370260.2 and 20 more transcripts); short protein forms Q64*.
Identifiers: ClinVar variation 2735664 (VCV002735664.3), dbSNP rs1592659770, ClinGen allele CA381187681.
Genomic context (GRCh38, chr11:64,809,920, plus strand): 5'-ACAGGTCGGCCACGGGAAAGTAGGTGAGGCCGCCAGGCGGGTCGGGGGCGGGGCTGGGCT[G>A]GAAGGTGAGCTCGGGAACGTTGGTAGGGATGACGCGGTTGACAGCCAGAAAATGCTCCAC-3'

ClinVar aggregate classification (germline): Pathogenic (1 of 4 stars; one submission).

Conditions:
Multiple endocrine neoplasia, type 1 (MEN1). Also called: Endocrine adenomatosis multiple; MEN 1; MEA I; MEN I; WERMER SYNDROME. Identifiers: Orphanet 652, MedGen C0025267, MeSH D018761, MONDO:0007540, OMIM 131100.

gnomAD v4.1: 1 of 1,586,336 alleles (0.000063%); highest among the groups gnomAD compares: Admixed American, 0.0018%; no homozygotes.

Submission:

Labcorp Genetics (formerly Invitae), Labcorp
Classification: Pathogenic for Multiple endocrine neoplasia, type 1. Last evaluated: 2023-07-25. Review status: criteria provided, single submitter. Criteria: Invitae Variant Classification Sherloc (09022015). Collection method: clinical testing. Allele origin: germline.
Comment: This sequence change creates a premature translational stop signal (p.Gln64*) in the MEN1 gene. It is expected to result in an absent or disrupted protein product. Loss-of-function variants in MEN1 are known to be pathogenic (PMID: 12112656, 17853334). This variant is not present in population databases (gnomAD no frequency). This premature translational stop signal has been observed in individual(s) with multiple endocrine neoplasia type 1 (PMID: 12016472). For these reasons, this variant has been classified as Pathogenic.

Literature cited by the submitters: PubMed 12112656; PubMed 17853334; PubMed 12016472.